The following is an entry in ClinVar:

NM_016592.5(GNAS):c.34C>T (p.Arg12Ter)

Genes: GNAS (GNAS complex locus; plus strand), GNAS-AS1 (GNAS antisense RNA 1; minus strand). Cytogenetic location: 20q13.32.
Variant type: single nucleotide variant.
Coding change: c.34C>T on transcript NM_016592.5 (MANE Plus Clinical); coding-DNA position 34, C replaced by T.
Protein change: p.Arg12Ter; replaces arginine 12 with a stop codon.
Molecular consequence: nonsense. On other transcripts: 5 prime UTR variant (1).
Genome position (GRCh38, 1-based): chr20:58,840,140, C>T. VCF-style: chr20-58840140-C-T. GRCh37 (hg19) VCF-style: chr20-57415195-C-T.
Other names: c.-704C>T (NM_001410912.1); short protein forms R12*.
Identifiers: ClinVar variation 3242103 (VCV003242103.1), dbSNP rs2085661524.
Genomic context (GRCh38, chr20:58,840,140, plus strand): 5'-CCGGCTTCTCGGTGTGTGCCTAAGAGGATGGATCGGAGGTCCCGGGCTCAGCAGTGGCGC[C>T]GAGCTCGCCATAATTACAACGACCTGTGCCCGCCCATAGGCCGCCGGGCAGCCACCGCGC-3'

ClinVar aggregate classification (germline): Likely pathogenic (1 of 4 stars; one submission).

Conditions:
Pseudopseudohypoparathyroidism (PPHP). Also called: Pseudopseudohypoparathyroidism (PPHP); ALBRIGHT HEREDITARY OSTEODYSTROPHY WITHOUT MULTIPLE HORMONE RESISTANCE. Identifiers: Orphanet 79445, MedGen C0033835, MONDO:0012912, OMIM 612463.

gnomAD v4.1: 3 of 1,611,410 alleles (0.00019%); highest among the groups gnomAD compares: African/African-American, 0.0013%; no homozygotes.

Submission:

Neuberg Centre For Genomic Medicine, NCGM
Classification: Likely pathogenic for Pseudopseudohypoparathyroidism. Review status: criteria provided, single submitter. Criteria: ACMG Guidelines, 2015. Collection method: clinical testing. Allele origin: germline. Inheritance: Autosomal dominant inheritance. Affected: yes.
Comment: The observed stop gain variant c.34C>T (p.Arg12Ter) in GNAS gene has not been reported previously as a pathogenic variant nor as a benign variant, to our knowledge. The c.34C>T variant is absent in gnomAD Exomes database. This variant has not been submitted to the ClinVar database. The nucleotide change c.34C>T in GNAS is predicted as conserved by GERP++ and PhyloP across 100 vertebrates. This variant is predicted to cause loss of normal protein function through protein truncation. Mutation taster predicts that this variant is likely to undergo non-sense mediated decay. Loss of function variant in GNAS gene have been reported previously in individuals affected with pseudohypoparathyroidism Ia, pseudopseudohypoparathyroidism, and progressive osseous heteroplasia. Additional studies will be required to prove the pathogenicity of this variant. For these reasons, this variant has been classified as Likely Pathogenic.